The following is an entry in ClinVar:

ClinVar aggregate classification (germline): Conflicting classifications of pathogenicity. Review status: criteria provided, conflicting classifications (1 of 4 stars). 4 submissions from 4 submitters: Uncertain significance (3); Likely benign (1). Last evaluated 2024-09-20.

Conditions:
Pierson syndrome. Also called: MICROCORIA-CONGENITAL NEPHROTIC SYNDROME. Identifiers: Orphanet 2670, MedGen C1836876, MONDO:0012184, OMIM 609049.
LAMB2-related infantile-onset nephrotic syndrome. Also called: Nephrotic Syndrome, type 5; NEPHROTIC SYNDROME, TYPE 5, WITHOUT OCULAR ABNORMALITIES; NEPHROTIC SYNDROME, TYPE 5, WITH OCULAR ABNORMALITIES. Identifiers: Orphanet 306507, MedGen C3280113, MONDO:0013621, OMIM 614199.

Allele frequency attached by ClinVar (database versions not stated): gnomAD 0.00014 and 0.00015; gnomAD exomes 0.00014 and 0.00020; ESP Exome Variant Server 0.00015; TOPMed 0.00015; 1000 Genomes Project 30x 0.00016; ExAC 0.00017; 1000 Genomes Project 0.00020.
gnomAD v4.1: 309 of 1,614,094 alleles (0.019%); highest among the groups gnomAD compares: South Asian, 0.026%; no homozygotes.

Submissions (4):

3billion
Classification: Likely benign for LAMB2-related infantile-onset nephrotic syndrome; Pierson syndrome. Last evaluated: 2024-09-20. Review status: criteria provided, single submitter. Criteria: ACMG Guidelines, 2015. Collection method: clinical testing. Allele origin: germline. Affected: no.
Comment: The homozygous variant was found in patients diagnosed with another variant in a different gene, with no symptoms related to the gene containing the homozygous variant.

Fulgent Genetics
Classification: Uncertain significance for Pierson syndrome; LAMB2-related infantile-onset nephrotic syndrome. Last evaluated: 2024-05-15. Review status: criteria provided, single submitter. Criteria: ACMG Guidelines, 2015. Collection method: clinical testing. Allele origin: germline.

Labcorp Genetics (formerly Invitae), Labcorp
Classification: Uncertain significance for LAMB2-related infantile-onset nephrotic syndrome; Pierson syndrome. Last evaluated: 2023-10-13. Review status: criteria provided, single submitter. Criteria: Invitae Variant Classification Sherloc (09022015). Collection method: clinical testing. Allele origin: germline.
Comment: This sequence change replaces arginine, which is basic and polar, with histidine, which is basic and polar, at codon 811 of the LAMB2 protein (p.Arg811His). This variant is present in population databases (rs201223945, gnomAD 0.02%). This variant has not been reported in the literature in individuals affected with LAMB2-related conditions. ClinVar contains an entry for this variant (Variation ID: 864389). An algorithm developed to predict the effect of missense changes on protein structure and function (PolyPhen-2) suggests that this variant is likely to be disruptive. In summary, the available evidence is currently insufficient to determine the role of this variant in disease. Therefore, it has been classified as a Variant of Uncertain Significance.

Department of Pathology and Laboratory Medicine, Sinai Health System
Classification: Uncertain significance for Pierson syndrome; LAMB2-related infantile-onset nephrotic syndrome. Last evaluated: 2022-03-25. Review status: criteria provided, single submitter. Criteria: ACMG Guidelines, 2015. Collection method: research. Allele origin: germline.

NM_002292.4(LAMB2):c.2432G>A (p.Arg811His)

Gene: LAMB2 (laminin subunit beta 2; minus strand). Cytogenetic location: 3p21.31.
Variant type: single nucleotide variant.
Coding change: c.2432G>A on transcript NM_002292.4 (MANE Select); coding-DNA position 2432, G replaced by A.
Protein change: p.Arg811His; replaces arginine 811 with histidine.
Molecular consequence: missense variant.
Genome position (GRCh38, 1-based): chr3:49,125,803, C>T on the plus strand (G>A on the coding strand, the complement: LAMB2 is on the minus strand). VCF-style: chr3-49125803-C-T. GRCh37 (hg19) VCF-style: chr3-49163236-C-T.
Other names: short protein forms R811H.
Identifiers: ClinVar variation 864389 (VCV000864389.9), dbSNP rs201223945, ClinGen allele CA2394302.